The following is an entry in ClinVar:

NM_213607.3(DNAAF19):c.478C>T (p.Arg160Trp)

Gene: DNAAF19 (dynein axonemal assembly factor 19; plus strand). Cytogenetic location: 17q21.31.
Variant type: single nucleotide variant.
Coding change: c.478C>T on transcript NM_213607.3 (MANE Select); coding-DNA position 478, C replaced by T.
Protein change: p.Arg160Trp; replaces arginine 160 with tryptophan.
Molecular consequence: missense variant. On other transcripts: 3 prime UTR variant (3).
Genome position (GRCh38, 1-based): chr17:44,902,566, C>T. VCF-style: chr17-44902566-C-T. GRCh37 (hg19) VCF-style: chr17-42979934-C-T.
Other names: c.478C>T, p.Arg160Trp (NM_001258395.2, NM_001258396.2); c.*228C>T (NM_001258397.3); c.*167C>T (NM_001258398.3, NM_001258399.2); short protein forms R160W.
Identifiers: ClinVar variation 2154943 (VCV002154943.1), dbSNP rs143476313, ClinGen allele CA8608383.

ClinVar aggregate classification (germline): Uncertain significance (1 of 4 stars; one submission).

Conditions:
Primary ciliary dyskinesia. Also called: Ciliary dyskinesia. Identifiers: Orphanet 244, MedGen C0008780, MONDO:0016575, HP:0012265.

Allele frequency attached by ClinVar (database versions not stated): gnomAD exomes 0.00001; ExAC 0.00002; gnomAD 0.00002; TOPMed 0.00004; ESP Exome Variant Server 0.00008.
gnomAD v4.1: 17 of 1,614,192 alleles (0.0011%); highest among the groups gnomAD compares: East Asian, 0.0045%; no homozygotes.

Submission:

Labcorp Genetics (formerly Invitae), Labcorp
Classification: Uncertain significance for Primary ciliary dyskinesia. Last evaluated: 2022-07-23. Review status: criteria provided, single submitter. Criteria: Invitae Variant Classification Sherloc (09022015). Collection method: clinical testing. Allele origin: germline.
Comment: This sequence change replaces arginine, which is basic and polar, with tryptophan, which is neutral and slightly polar, at codon 160 of the CCDC103 protein (p.Arg160Trp). The frequency data for this variant in the population databases is considered unreliable, as metrics indicate poor data quality at this position in the gnomAD database. This variant has not been reported in the literature in individuals affected with CCDC103-related conditions. Algorithms developed to predict the effect of missense changes on protein structure and function output the following: SIFT: "Deleterious"; PolyPhen-2: "Probably Damaging"; Align-GVGD: "Class C0". The tryptophan amino acid residue is found in multiple mammalian species, which suggests that this missense change does not adversely affect protein function. In summary, the available evidence is currently insufficient to determine the role of this variant in disease. Therefore, it has been classified as a Variant of Uncertain Significance.